The following is an entry in ClinVar:

NM_001170700.3(DTHD1):c.2676dup (p.Val893fs)

Gene: DTHD1 (death domain containing 1; plus strand). Cytogenetic location: 4p14.
Variant type: Duplication.
Coding change: c.2676dup on transcript NM_001170700.3 (MANE Select); coding-DNA position 2676, one base duplicated (A; older notation c.2676dupA).
Protein change: p.Val893fs; shifts the reading frame from valine 893.
Molecular consequence: frameshift variant. On other transcripts: non-coding transcript variant (2).
Genome position (GRCh38, 1-based): chr4:36,343,779, A duplicated; the last of 3 consecutive A bases (chr4:36,343,777-36,343,779); duplicating any one gives the same sequence. VCF-style (leftmost placement, unchanged base first): chr4-36343776-T-TA. GRCh37 (hg19) VCF-style: chr4-36345398-T-TA.
Other names: c.1806dup, p.Val603fs (NM_001136536.5); c.1685dup, p.Cys563fs (NM_001378435.1); short protein forms V603fs, V893fs, C563fs.
Identifiers: ClinVar variation 2820707 (VCV002820707.3), dbSNP rs1014191908, ClinGen allele CA95814465.

ClinVar aggregate classification (germline): Uncertain significance (1 of 4 stars; one submission).

Submission:

Labcorp Genetics (formerly Invitae), Labcorp
Classification: Uncertain significance. Last evaluated: 2023-06-13. Review status: criteria provided, single submitter. Criteria: Invitae Variant Classification Sherloc (09022015). Collection method: clinical testing. Allele origin: germline.
Comment: This variant has not been reported in the literature in individuals affected with DTHD1-related conditions. In summary, the available evidence is currently insufficient to determine the role of this variant in disease. Therefore, it has been classified as a Variant of Uncertain Significance. Experimental studies and prediction algorithms are not available or were not evaluated, and the functional significance of this variant is currently unknown. This variant is present in population databases (no rsID available, gnomAD 0.002%). This sequence change creates a premature translational stop signal (p.Val603Serfs*4) in the DTHD1 gene. While this is not anticipated to result in nonsense mediated decay, it is expected to disrupt the last 14 amino acid(s) of the DTHD1 protein.